The following is an entry in ClinVar:

ClinVar aggregate classification (germline): Pathogenic (1 of 4 stars; one submission).

Submission:

GeneDx
Classification: Pathogenic. Last evaluated: 2023-11-27. Review status: criteria provided, single submitter. Criteria: GeneDx Variant Classification Process June 2021. Collection method: clinical testing. Allele origin: germline. Affected: yes.
Comment: Identified among a cohort of individuals with autism; however, detailed clinical information was not provided (PMID: 34312540); Nonsense variant predicted to result in protein truncation, as the last 551 amino acids are lost, and other loss-of-function variants have been reported downstream in HGMD; Not observed at significant frequency in large population cohorts (gnomAD); This variant is associated with the following publications: (PMID: 34312540)

NM_015021.3(ZNF292):c.6517C>T (p.Arg2173Ter)

Gene: ZNF292 (zinc finger protein 292; plus strand). Cytogenetic location: 6q14.3.
Variant type: single nucleotide variant.
Coding change: c.6517C>T on transcript NM_015021.3 (MANE Select); coding-DNA position 6517, C replaced by T.
Protein change: p.Arg2173Ter; replaces arginine 2173 with a stop codon.
Molecular consequence: nonsense.
Genome position (GRCh38, 1-based): chr6:87,260,146, C>T. VCF-style: chr6-87260146-C-T. GRCh37 (hg19) VCF-style: chr6-87969864-C-T.
Other names: c.6097C>T, p.Arg2033Ter (NM_001351444.2); short protein forms R2033*, R2173*.
Identifiers: ClinVar variation 3343936 (VCV003343936.1).